The following is an entry in ClinVar:

NM_000368.5(TSC1):c.1974C>A (p.Asp658Glu)

Gene: TSC1 (TSC complex subunit 1; minus strand). Cytogenetic location: 9q34.13.
Variant type: single nucleotide variant.
Coding change: c.1974C>A on transcript NM_000368.5 (MANE Select); coding-DNA position 1974, C replaced by A.
Protein change: p.Asp658Glu; replaces aspartic acid 658 with glutamic acid.
Molecular consequence: missense variant.
Genome position (GRCh38, 1-based): chr9:132,905,604, G>T on the plus strand (C>A on the coding strand, the complement: TSC1 is on the minus strand). VCF-style: chr9-132905604-G-T. GRCh37 (hg19) VCF-style: chr9-135780991-G-T.
Other names: c.1971C>A, p.Asp657Glu (NM_001162426.2); c.1821C>A, p.Asp607Glu (NM_001162427.2); c.1611C>A, p.Asp537Glu (NM_001362177.2); c.1974C>A (NM_000368.4); short protein forms D537E, D607E, D657E, D658E.
Identifiers: ClinVar variation 1492044 (VCV001492044.9), dbSNP rs118203608, ClinGen allele CA375362316.

ClinVar aggregate classification (germline): Uncertain significance. Review status: criteria provided, multiple submitters, no conflicts (2 of 4 stars). 2 submissions from 2 submitters: Uncertain significance (2). Last evaluated 2026-04-23.

Conditions:
Hereditary cancer-predisposing syndrome. Also called: Tumor predisposition; Neoplastic Syndromes, Hereditary; Hereditary Cancer Syndrome; Hereditary neoplastic syndrome. Identifiers: Orphanet 140162, MedGen C0027672, MeSH D009386, MONDO:0015356.
Tuberous sclerosis 1 (TSC1). Identifiers: Orphanet 805, MedGen C1854465, MONDO:0008612, OMIM 191100.

Submissions (2):

Ambry Genetics
Classification: Uncertain significance for Hereditary cancer-predisposing syndrome. Last evaluated: 2026-04-23. Review status: criteria provided, single submitter. Criteria: Ambry Variant Classification Scheme 2023. Collection method: clinical testing. Allele origin: germline.
Comment: The p.D658E variant (also known as c.1974C>A), located in coding exon 13 of the TSC1 gene, results from a C to A substitution at nucleotide position 1974. The aspartic acid at codon 658 is replaced by glutamic acid, an amino acid with highly similar properties. A protein functional study demonstrated this variant to be neutral (Mozaffari M et al. BMC Med Genet 2009 Sep;10:88.) This amino acid position is highly conserved in available vertebrate species. In addition, the in silico prediction for this alteration is inconclusive. Based on the available evidence, the clinical significance of this variant remains unclear.

Labcorp Genetics (formerly Invitae), Labcorp
Classification: Uncertain significance for Tuberous sclerosis 1. Last evaluated: 2023-01-02. Review status: criteria provided, single submitter. Criteria: Invitae Variant Classification Sherloc (09022015). Collection method: clinical testing. Allele origin: germline.
Comment: This sequence change replaces aspartic acid, which is acidic and polar, with glutamic acid, which is acidic and polar, at codon 658 of the TSC1 protein (p.Asp658Glu). In summary, the available evidence is currently insufficient to determine the role of this variant in disease. Therefore, it has been classified as a Variant of Uncertain Significance. Experimental studies have shown that this missense change does not substantially affect TSC1 function (PMID: 19747374). Advanced modeling of protein sequence and biophysical properties (such as structural, functional, and spatial information, amino acid conservation, physicochemical variation, residue mobility, and thermodynamic stability) performed at Invitae indicates that this missense variant is not expected to disrupt TSC1 protein function. ClinVar contains an entry for this variant (Variation ID: 1492044). This variant has not been reported in the literature in individuals affected with TSC1-related conditions. This variant is not present in population databases (gnomAD no frequency).

Literature cited by the submitters: PubMed 19747374 (cited by Labcorp Genetics (formerly Invitae), Labcorp).